The following is an entry in ClinVar:

NM_000187.4(HGD):c.474G>T (p.Pro158=)

Gene: HGD (homogentisate 1,2-dioxygenase; minus strand). Cytogenetic location: 3q13.33.
Variant type: single nucleotide variant.
Coding change: c.474G>T on transcript NM_000187.4 (MANE Select); coding-DNA position 474, G replaced by T.
Protein change: p.Pro158=; no amino-acid change (proline 158 retained).
Molecular consequence: synonymous variant.
Genome position (GRCh38, 1-based): chr3:120,647,048, C>A on the plus strand (G>T on the coding strand, the complement: HGD is on the minus strand). VCF-style: chr3-120647048-C-A. GRCh37 (hg19) VCF-style: chr3-120365895-C-A.
Identifiers: ClinVar variation 342747 (VCV000342747.15), dbSNP rs2293734, ClinGen allele CA2560179.

ClinVar aggregate classification (germline): Benign/Likely benign. Review status: criteria provided, multiple submitters, no conflicts (2 of 4 stars). 2 submissions from 2 submitters: Benign (1); Likely benign (1). Last evaluated 2025-01-20.

Conditions:
Alkaptonuria (AKU). Also called: HOMOGENTISIC ACID OXIDASE DEFICIENCY; Homogentisic acidura; Alkaptonuric ochronosis; Alcaptonuria. Identifiers: Orphanet 56, MedGen C0002066, MONDO:0008753, OMIM 203500.

Allele frequency attached by ClinVar (database versions not stated): TOPMed 0.00026; 1000 Genomes Project 30x 0.00078; 1000 Genomes Project 0.00080.
gnomAD v4.1: 155 of 1,613,462 alleles (0.0096%); highest among the groups gnomAD compares: East Asian, 0.33%; no homozygotes.

Submissions (3):

Labcorp Genetics (formerly Invitae), Labcorp
Classification: Benign for Alkaptonuria. Last evaluated: 2025-01-20. Review status: criteria provided, single submitter. Criteria: Invitae Variant Classification Sherloc (09022015). Collection method: clinical testing. Allele origin: germline.

Illumina Laboratory Services, Illumina
Classification: Likely benign for Alkaptonuria. Last evaluated: 2018-01-12. Review status: criteria provided, single submitter. Criteria: ICSL Variant Classification Criteria 13 December 2019. Collection method: clinical testing. Allele origin: germline.
Comment: This variant was observed in the ICSL laboratory as part of a predisposition screen in an ostensibly healthy population. It had not been previously curated by ICSL or reported in the Human Gene Mutation Database (HGMD: prior to June 1st, 2018), and was therefore a candidate for classification through an automated scoring system. Utilizing variant allele frequency, disease prevalence and penetrance estimates, and inheritance mode, an automated score was calculated to assess if this variant is too frequent to cause the disease. Based on the score and internal cut-off values, a variant classified as likely benign is not then subjected to further curation. The score for this variant resulted in a classification of likely benign for this disease.

Dr. Peter K. Rogan Lab, Western University
No classification provided (evidence only). Condition: Hepatocellular carcinoma. Review status: no classification provided. Collection method: in vitro. Allele origin: not applicable. Functional consequence: retained intron. Not counted in ClinVar's aggregate classification.